The following is an entry in ClinVar:

NM_002225.5(IVD):c.234+14T>C

Gene: IVD (isovaleryl-CoA dehydrogenase; plus strand). Cytogenetic location: 15q15.1.
Variant type: single nucleotide variant.
Coding change: c.234+14T>C on transcript NM_002225.5 (MANE Select); 14 bases into the intron after coding-DNA position 234, T replaced by C.
Molecular consequence: intron variant. On other transcripts: missense variant (2).
Genome position (GRCh38, 1-based): chr15:40,407,739, T>C. VCF-style: chr15-40407739-T-C. GRCh37 (hg19) VCF-style: chr15-40699940-T-C.
Other names: c.248T>C, p.Val83Ala (NM_001354599.3, NM_001354600.3); c.234+14T>C (NM_001354598.3, NM_001354601.3); c.186+14T>C (NM_001354597.3); c.145-200T>C (NM_001159508.3); short protein forms V83A.
Identifiers: ClinVar variation 94053 (VCV000094053.30), dbSNP rs2289331, ClinGen allele CA147572.

ClinVar aggregate classification (germline): Benign. Review status: criteria provided, multiple submitters, no conflicts (2 of 4 stars). 12 submissions from 12 submitters: Benign (8). 4 of the submissions do not count toward it. Last evaluated 2026-02-04.

Conditions:
Isovaleryl-CoA dehydrogenase deficiency (IVA). Also called: ISOVALERIC ACID CoA DEHYDROGENASE DEFICIENCY; Isovaleric acidemia; IVD DEFICIENCY; Classic Isovaleric Acidemia. Identifiers: Orphanet 33, MedGen C0268575, MONDO:0009475, OMIM 243500.

Allele frequency attached by ClinVar (database versions not stated): gnomAD exomes 0.68741 and 0.66549; ESP Exome Variant Server 0.59557; TOPMed 0.61450; gnomAD 0.62561 and 0.63320; 1000 Genomes Project 30x 0.63851; 1000 Genomes Project 0.64796; ExAC 0.68377.
gnomAD v4.1: 1,066,352 of 1,610,246 alleles (66%); highest among the groups gnomAD compares: East Asian, 83%; 356,328 homozygotes.

Submissions (12):

Labcorp Genetics (formerly Invitae), Labcorp
Classification: Benign for Isovaleryl-CoA dehydrogenase deficiency. Last evaluated: 2026-02-04. Review status: criteria provided, single submitter. Criteria: Invitae Variant Classification Sherloc (09022015). Collection method: clinical testing. Allele origin: germline.

Blueprint Genetics
Classification: Benign. Last evaluated: 2024-11-27. Review status: criteria provided, single submitter. Criteria: ACMG Guidelines, 2015. Collection method: clinical testing. Allele origin: germline.

Genome-Nilou Lab
Classification: Benign for Isovaleryl-CoA dehydrogenase deficiency. Last evaluated: 2021-07-01. Review status: criteria provided, single submitter. Criteria: ACMG Guidelines, 2015. Collection method: clinical testing. Allele origin: germline. Affected: no.

Illumina Laboratory Services, Illumina
Classification: Benign for Isovaleryl-CoA dehydrogenase deficiency. Last evaluated: 2018-01-13. Review status: criteria provided, single submitter. Criteria: ICSL Variant Classification Criteria 13 December 2019. Collection method: clinical testing. Allele origin: germline.
Comment: This variant was observed in the ICSL laboratory as part of a predisposition screen in an ostensibly healthy population. It had not been previously curated by ICSL or reported in the Human Gene Mutation Database (HGMD: prior to June 1st, 2018), and was therefore a candidate for classification through an automated scoring system. Utilizing variant allele frequency, disease prevalence and penetrance estimates, and inheritance mode, an automated score was calculated to assess if this variant is too frequent to cause the disease. Based on the score and internal cut-off values, a variant classified as benign is not then subjected to further curation. The score for this variant resulted in a classification of benign for this disease.

Eurofins Ntd Llc (ga)
Classification: Benign. Last evaluated: 2017-08-29. Review status: criteria provided, single submitter. Criteria: EGL Classification Definitions 2015. Collection method: clinical testing. Allele origin: germline. Observed: 54 variant alleles, 22 heterozygotes, 33 homozygotes.

GeneDx
Classification: Benign. Last evaluated: 2015-03-03. Review status: criteria provided, single submitter. Criteria: GeneDx Variant Classification Process June 2021. Collection method: clinical testing. Allele origin: germline. Affected: yes.

Breakthrough Genomics
Classification: Benign. Review status: criteria provided, single submitter. Criteria: ACMG Guidelines, 2015. Collection method: not provided. Allele origin: germline. Inheritance: Autosomal recessive inheritance. Affected: yes.

PreventionGenetics, part of Exact Sciences
Classification: Benign. Review status: criteria provided, single submitter. Criteria: ACMG Guidelines, 2015. Collection method: clinical testing. Allele origin: germline.

Natera, Inc.
Classification: Benign for Isovaleryl-coa dehydrogenase deficiency. Last evaluated: 2018-04-12. Review status: no assertion criteria provided. Collection method: clinical testing. Allele origin: germline. Not counted in ClinVar's aggregate classification.

Clinical Genetics, Academic Medical Center
Classification: Benign. Review status: no assertion criteria provided. Collection method: clinical testing. Allele origin: germline. Affected: yes. Study: VKGL Data-share Consensus. Not counted in ClinVar's aggregate classification.

Diagnostic Laboratory, Department of Genetics, University Medical Center Groningen
Classification: Benign for Isovaleryl-CoA dehydrogenase deficiency. Review status: no assertion criteria provided. Collection method: clinical testing. Allele origin: germline. Affected: yes. Study: VKGL Data-share Consensus. Not counted in ClinVar's aggregate classification.

Joint Genome Diagnostic Labs from Nijmegen and Maastricht, Radboudumc and MUMC+
Classification: Benign. Review status: no assertion criteria provided. Collection method: clinical testing. Allele origin: germline. Affected: yes. Study: VKGL Data-share Consensus. Not counted in ClinVar's aggregate classification.